The following is an entry in ClinVar:

NM_000051.4(ATM):c.1470T>G (p.Ile490Met)

Gene: ATM (ATM serine/threonine kinase; plus strand). Cytogenetic location: 11q22.3.
Variant type: single nucleotide variant.
Coding change: c.1470T>G on transcript NM_000051.4 (MANE Select); coding-DNA position 1470, T replaced by G.
Protein change: p.Ile490Met; replaces isoleucine 490 with methionine.
Molecular consequence: missense variant.
Genome position (GRCh38, 1-based): chr11:108,250,935, T>G. VCF-style: chr11-108250935-T-G. GRCh37 (hg19) VCF-style: chr11-108121662-T-G.
Other names: c.1470T>G, p.Ile490Met (NM_001351834.2); short protein forms I490M.
Identifiers: ClinVar variation 2174773 (VCV002174773.4), dbSNP rs2135323886, ClinGen allele CA382534165.

ClinVar aggregate classification (germline): Uncertain significance (1 of 4 stars; one submission).

Conditions:
Ataxia-telangiectasia syndrome (AT). Also called: ATAXIA-TELANGIECTASIA, COMPLEMENTATION GROUP A; ATAXIA-TELANGIECTASIA, FRESNO VARIANT; Ataxia-telangiectasia; LOUIS-BAR SYNDROME; Cerebello-oculocutaneous telangiectasia; Immunodeficiency with ataxia telangiectasia. Identifiers: Orphanet 100, MedGen C0004135, MONDO:0008840, OMIM 208900.

Allele frequency attached by ClinVar (database versions not stated): gnomAD exomes below 0.00001.
gnomAD v4.1: 1 of 1,614,224 alleles (0.000062%); highest among the groups gnomAD compares: Non-Finnish European, 0.000085%; no homozygotes.

Submission:

Labcorp Genetics (formerly Invitae), Labcorp
Classification: Uncertain significance for Ataxia-telangiectasia syndrome. Last evaluated: 2025-06-08. Review status: criteria provided, single submitter. Criteria: Invitae Variant Classification Sherloc (09022015). Collection method: clinical testing. Allele origin: germline.
Comment: This sequence change replaces isoleucine, which is neutral and non-polar, with methionine, which is neutral and non-polar, at codon 490 of the ATM protein (p.Ile490Met). This variant is not present in population databases (gnomAD no frequency). This variant has not been reported in the literature in individuals affected with ATM-related conditions. ClinVar contains an entry for this variant (Variation ID: 2174773). Invitae Evidence Modeling of protein sequence and biophysical properties (such as structural, functional, and spatial information, amino acid conservation, physicochemical variation, residue mobility, and thermodynamic stability) indicates that this missense variant is not expected to disrupt ATM protein function with a negative predictive value of 95%. In summary, the available evidence is currently insufficient to determine the role of this variant in disease. Therefore, it has been classified as a Variant of Uncertain Significance.